The following is an entry in ClinVar:

ClinVar aggregate classification (germline): Pathogenic. Review status: criteria provided, multiple submitters, no conflicts (2 of 4 stars). 3 submissions from 3 submitters: Pathogenic (3). Last evaluated 2021-12-21.

Conditions:
Angelman syndrome (AS). Also called: HAPPY PUPPET SYNDROME. Identifiers: Orphanet 72, MedGen C0162635, MONDO:0007113, OMIM 105830. Disease mechanism: loss of function. Inheritance: AS is caused by disruption of maternally imprinted UBE3A located within the 15q11.2-q13 Angelman syndrome/Prader-Willi syndrome (AS/PWS) region., imprinting disorder.

Submissions (3):

Labcorp Genetics (formerly Invitae), Labcorp
Classification: Pathogenic for Angelman syndrome. Last evaluated: 2021-12-21. Review status: criteria provided, single submitter. Criteria: Invitae Variant Classification Sherloc (09022015). Collection method: clinical testing. Allele origin: germline.
Comment: For these reasons, this variant has been classified as Pathogenic. ClinVar contains an entry for this variant (Variation ID: 160223). This premature translational stop signal has been observed in individual(s) with clinical features of Angelman syndrome (Invitae). This variant is not present in population databases (gnomAD no frequency). This sequence change creates a premature translational stop signal (p.Thr106Argfs*5) in the UBE3A gene. It is expected to result in an absent or disrupted protein product. Loss-of-function variants in UBE3A are known to be pathogenic (PMID: 25212744).

GeneDx
Classification: Pathogenic. Last evaluated: 2017-12-29. Review status: criteria provided, single submitter. Criteria: GeneDx Variant Classification (06012015). Collection method: clinical testing. Allele origin: germline. Affected: yes.
Comment: The c.317_321delCAGAA pathogenic variant in the UBE3A gene has not been published previously as a pathogenic variant nor as a benign variant, to our knowledge. It is reported as pathogenic in ClinVar by a different clinical laboratory, but additional evidence is not available (ClinVar SCV000195374.1; Landrum et al., 2015). The c.317_321delCAGAA variant causes a frameshift starting with codon Threonine 106, changes this amino acid to an Arginine residue, and creates a premature Stop codon at position 5 of the new reading frame, denoted p.Thr106ArgfsX5. This variant is predicted to cause loss of normal protein function either through protein truncation or nonsense-mediated mRNA decay. The c.317_321delCAGAA variant was not observed in approximately 6500 individuals of European and African American ancestry in the NHLBI Exome Sequencing Project, indicating it is not a common benign variant in these populations. We interpret c.317_321delCAGAA as a pathogenic variant.

Genetic Services Laboratory, University of Chicago
Classification: Pathogenic for Angelman syndrome. Last evaluated: 2013-05-16. Review status: criteria provided, single submitter. Criteria: ACMG Guidelines, 2007. Collection method: clinical testing. Allele origin: germline. Inheritance: Autosomal dominant inheritance. Affected: yes.

Literature cited by the submitters: PubMed 25212744 (cited by Labcorp Genetics (formerly Invitae), Labcorp).

NM_130839.5(UBE3A):c.377_381del (p.Thr126fs)

Genes: SNHG14 (small nucleolar RNA host gene 14; plus strand), UBE3A (ubiquitin protein ligase E3A; minus strand). Cytogenetic location: 15q11.2.
Variant type: Deletion.
Coding change: c.377_381del on transcript NM_130839.5 (MANE Select); coding-DNA positions 377 to 381, 5 bases deleted (CAGAA; older notation c.377_381delCAGAA).
Protein change: p.Thr126fs; shifts the reading frame from threonine 126.
Molecular consequence: frameshift variant. On other transcripts: non-coding transcript variant (1), intron variant (2).
Genome position (GRCh38, 1-based): chr15:25,371,793-25,371,797, TTCTG deleted on the plus strand (CAGAA on the coding strand, the reverse complement: UBE3A is on the minus strand); deleting any 5 consecutive bases within chr15:25,371,793-25,371,799 gives the same sequence; the c. name uses the placement nearest the transcript's 3' end. VCF-style (leftmost placement, unchanged base first): chr15-25371792-CTTCTG-C. GRCh37 (hg19) VCF-style: chr15-25616939-CTTCTG-C.
Other names: c.386_390del, p.Thr129fs (NM_000462.5); c.377_381del, p.Thr126fs (NM_001354505.1, NM_001354538.2, NM_001354545.2); c.317_321del, p.Thr106fs (NM_001354506.2, NM_001354507.2, NM_001354508.2 and 17 more transcripts); c.200_204del, p.Thr67fs (NM_001354546.2); c.301+3668_301+3672del (NM_001354551.2); c.361+3668_361+3672del (NM_001354550.2); short protein forms T129fs, T106fs, T126fs, T67fs.
Identifiers: ClinVar variation 160223 (VCV000160223.16), dbSNP rs587784529, ClinGen allele CA333553.
Genomic context (GRCh38, chr15:25,371,792, plus strand): 5'-GGATTAAAGGGGAATAATCCTCTCTTTCTCTACATAATTCAAGAATTTCATATACCTTCT[CTTCTG>C]TTAAGTAAGTCACATCTAGAAAATCAGAGGAAAAAAGAGAACATTTATTTTCATAATATG-3'